The following is an entry in ClinVar:

NM_001378969.1(KCND3):c.497G>A (p.Arg166His)

Gene: KCND3 (potassium voltage-gated channel subfamily D member 3; minus strand). Cytogenetic location: 1p13.2.
Variant type: single nucleotide variant.
Coding change: c.497G>A on transcript NM_001378969.1 (MANE Select); coding-DNA position 497, G replaced by A.
Protein change: p.Arg166His; replaces arginine 166 with histidine.
Molecular consequence: missense variant.
Genome position (GRCh38, 1-based): chr1:111,982,230, C>T on the plus strand (G>A on the coding strand, the complement: KCND3 is on the minus strand). VCF-style: chr1-111982230-C-T. GRCh37 (hg19) VCF-style: chr1-112524852-C-T.
Other names: c.497G>A, p.Arg166His (NM_001378970.1, NM_004980.5, NM_172198.3); short protein forms R166H.
Identifiers: ClinVar variation 1744522 (VCV001744522.2), dbSNP rs2525705056, ClinGen allele CA341822003.

ClinVar aggregate classification (germline): Uncertain significance (1 of 4 stars; one submission).

Conditions:
Cardiovascular phenotype. Identifiers: MedGen CN230736.

Allele frequency attached by ClinVar (database versions not stated): gnomAD exomes below 0.00001.
gnomAD v4.1: 1 of 1,614,042 alleles (0.000062%); highest among the groups gnomAD compares: Non-Finnish European, 0.000085%; no homozygotes.

Submission:

Ambry Genetics
Classification: Uncertain significance for Cardiovascular phenotype. Last evaluated: 2022-06-02. Review status: criteria provided, single submitter. Criteria: Ambry Variant Classification Scheme 2023. Collection method: clinical testing. Allele origin: germline.
Comment: The p.R166H variant (also known as c.497G>A), located in coding exon 1 of the KCND3 gene, results from a G to A substitution at nucleotide position 497. The arginine at codon 166 is replaced by histidine, an amino acid with highly similar properties. This amino acid position is conserved. In addition, this alteration is predicted to be deleterious by in silico analysis. Since supporting evidence is limited at this time, the clinical significance of this alteration remains unclear.